The following is an entry in ClinVar:

ClinVar aggregate classification (germline): Uncertain significance. Review status: criteria provided, multiple submitters, no conflicts (2 of 4 stars). 4 submissions from 4 submitters: Uncertain significance (4). Last evaluated 2026-08-08.

Conditions:
Familial thoracic aortic aneurysm and aortic dissection (TAAD). Also called: Thoracic aortic aneurysms and dissections. Identifiers: Orphanet 91387, MedGen C4707243, MONDO:0019625.
MYLK-related disorder. Also called: MYLK-related condition.
Aortic aneurysm, familial thoracic 7 (AAT7). Also called: AORTIC DISSECTION, FAMILIAL, WITH OR WITHOUT AORTIC ANEURYSM. Identifiers: MedGen C3151077, MONDO:0013418, OMIM 613780.

Allele frequency attached by ClinVar (database versions not stated): gnomAD 0.00001; TOPMed 0.00001; ExAC 0.00002; ESP Exome Variant Server 0.00008.
gnomAD v4.1: 51 of 1,613,262 alleles (0.0032%); highest among the groups gnomAD compares: Non-Finnish European, 0.0036%; no homozygotes.

Submissions (4):

PreventionGenetics, part of Exact Sciences
Classification: Uncertain significance for MYLK-related condition. Last evaluated: 2026-08-08. Review status: criteria provided, single submitter. Criteria: ACMG Guidelines, 2015. Collection method: clinical testing. Allele origin: germline.
Comment: The MYLK c.2944C>T variant is predicted to result in the amino acid substitution p.Arg982Cys. To our knowledge, this variant has not been reported in the literature. This variant is reported in 0.0023% of alleles in individuals of European (Non-Finnish) descent in gnomAD. At this time, the clinical significance of this variant is uncertain due to the absence of conclusive functional and genetic evidence.

Labcorp Genetics (formerly Invitae), Labcorp
Classification: Uncertain significance for Aortic aneurysm, familial thoracic 7. Last evaluated: 2024-12-16. Review status: criteria provided, single submitter. Criteria: Invitae Variant Classification Sherloc (09022015). Collection method: clinical testing. Allele origin: germline.
Comment: This sequence change replaces arginine, which is basic and polar, with cysteine, which is neutral and slightly polar, at codon 982 of the MYLK protein (p.Arg982Cys). This variant is present in population databases (rs375731554, gnomAD 0.003%). This variant has not been reported in the literature in individuals affected with MYLK-related conditions. ClinVar contains an entry for this variant (Variation ID: 1316535). Invitae Evidence Modeling of protein sequence and biophysical properties (such as structural, functional, and spatial information, amino acid conservation, physicochemical variation, residue mobility, and thermodynamic stability) indicates that this missense variant is not expected to disrupt MYLK protein function with a negative predictive value of 80%. In summary, the available evidence is currently insufficient to determine the role of this variant in disease. Therefore, it has been classified as a Variant of Uncertain Significance.

Ambry Genetics
Classification: Uncertain significance for Familial thoracic aortic aneurysm and aortic dissection. Last evaluated: 2023-07-03. Review status: criteria provided, single submitter. Criteria: Ambry Variant Classification Scheme 2023. Collection method: clinical testing. Allele origin: germline.
Comment: The p.R982C variant (also known as c.2944C>T), located in coding exon 15 of the MYLK gene, results from a C to T substitution at nucleotide position 2944. The arginine at codon 982 is replaced by cysteine, an amino acid with highly dissimilar properties. This amino acid position is conserved. In addition, the in silico prediction for this alteration is inconclusive. Since supporting evidence is limited at this time, the clinical significance of this alteration remains unclear.

GeneDx
Classification: Uncertain significance. Last evaluated: 2019-05-03. Review status: criteria provided, single submitter. Criteria: GeneDx Variant Classification Process June 2021. Collection method: clinical testing. Allele origin: germline. Affected: yes.
Comment: Not observed at a significant frequency in large population cohorts (Lek et al., 2016); In silico analysis, which includes protein predictors and evolutionary conservation, supports a deleterious effect; Has not been previously published as pathogenic or benign to our knowledge

NM_053025.4(MYLK):c.2944C>T (p.Arg982Cys)

Gene: MYLK (myosin light chain kinase; minus strand). Cytogenetic location: 3q21.1.
Variant type: single nucleotide variant.
Coding change: c.2944C>T on transcript NM_053025.4 (MANE Select); coding-DNA position 2944, C replaced by T.
Protein change: p.Arg982Cys; replaces arginine 982 with cysteine.
Molecular consequence: missense variant.
Genome position (GRCh38, 1-based): chr3:123,700,524, G>A on the plus strand (C>T on the coding strand, the complement: MYLK is on the minus strand). VCF-style: chr3-123700524-G-A. GRCh37 (hg19) VCF-style: chr3-123419371-G-A.
Other names: c.2416C>T, p.Arg806Cys (NM_001321309.2); c.2737C>T, p.Arg913Cys (NM_053026.4, NM_053028.4); c.2944C>T, p.Arg982Cys (NM_053027.4); short protein forms R806C, R913C, R982C.
Identifiers: ClinVar variation 1316535 (VCV001316535.7), dbSNP rs375731554, ClinGen allele CA069166.
Genomic context (GRCh38, chr3:123,700,524, plus strand): 5'-TCTCGGCACTGCTGCTGCCATTCTCTGCTGGTAATTTCTTCTTGCCACCCAGCACTGAGC[G>A]AAAATCCGGGGTGGCAGGTTTTGGCGGTGGCACCTTCTCAGGCACGGGGGTCTTGGAAGT-3'
Protein context (NP_444253.3, residues 972-992): PPPKPATPDF[Arg982Cys]SVLGGKKKLP